The following is an entry in ClinVar:

NM_001199267.2(DGKZ):c.162-910CCT[2]

Gene: DGKZ (diacylglycerol kinase zeta; plus strand). Cytogenetic location: 11p11.2.
Variant type: Microsatellite.
Coding change: c.162-910CCT[2] on transcript NM_001199267.2 (MANE Select); two copies in a row of the 3-base unit CCT starting at c.162-910.
Molecular consequence: intron variant. On other transcripts: inframe deletion (1).
Genome position: GRCh38 VCF-style: chr11-46366380-GCCT-G. GRCh37 (hg19) VCF-style: chr11-46387930-GCCT-G.
Other names: c.126CTC[2], p.Ser45del (NM_001105540.2); c.213-910CCT[2] (NM_201532.3); c.177-910CCT[2] (NM_201533.3); c.162-910CCT[2] (NM_001199266.2, NM_003646.4, NM_001199268.2); short protein forms S45del.
Identifiers: ClinVar variation 1539907 (VCV001539907.31), dbSNP rs750005398, ClinGen allele CA5962081.

ClinVar aggregate classification (germline): Benign/Likely benign. Review status: criteria provided, multiple submitters, no conflicts (2 of 4 stars). 2 submissions from 2 submitters: Benign (1); Likely benign (1). Last evaluated 2026-01-07.

Submissions (2):

Labcorp Genetics (formerly Invitae), Labcorp
Classification: Benign. Last evaluated: 2026-01-07. Review status: criteria provided, single submitter. Criteria: Invitae Variant Classification Sherloc (09022015). Collection method: clinical testing. Allele origin: germline.

CeGaT Center for Human Genetics Tuebingen
Classification: Likely benign. Last evaluated: 2023-04-01. Review status: criteria provided, single submitter. Criteria: CeGaT Center For Human Genetics Tuebingen Variant Classification Criteria Version 2. Collection method: clinical testing. Allele origin: germline. Affected: yes. Observed: 3 variant alleles.
Comment: DGKZ: BS2